The following is an entry in ClinVar:

NM_000245.4(MET):c.175G>A (p.Glu59Lys)

Gene: MET (MET proto-oncogene, receptor tyrosine kinase; plus strand). Cytogenetic location: 7q31.2.
Variant type: single nucleotide variant.
Coding change: c.175G>A on transcript NM_000245.4 (MANE Select); coding-DNA position 175, G replaced by A.
Protein change: p.Glu59Lys; replaces glutamic acid 59 with lysine.
Molecular consequence: missense variant. On other transcripts: intron variant (1).
Genome position (GRCh38, 1-based): chr7:116,699,259, G>A. VCF-style: chr7-116699259-G-A. GRCh37 (hg19) VCF-style: chr7-116339313-G-A.
Other names: c.175G>A, p.Glu59Lys (NM_001127500.3, NM_001324401.3); c.-91+26682G>A (NM_001324402.2); short protein forms E59K.
Identifiers: ClinVar variation 1695482 (VCV001695482.3), dbSNP rs2116582173, ClinGen allele CA368968498.

ClinVar aggregate classification (germline): Conflicting classifications of pathogenicity. Review status: criteria provided, conflicting classifications (1 of 4 stars). 2 submissions from 2 submitters: Uncertain significance (1); Likely benign (1). Last evaluated 2026-01-26.

Conditions:
Hereditary cancer-predisposing syndrome. Also called: Tumor predisposition; Hereditary Cancer Syndrome; Hereditary neoplastic syndrome; Neoplastic Syndromes, Hereditary. Identifiers: Orphanet 140162, MedGen C0027672, MeSH D009386, MONDO:0015356.

Allele frequency attached by ClinVar (database versions not stated): gnomAD exomes below 0.00001.
gnomAD v4.1: 1 of 1,613,976 alleles (0.000062%); highest among the groups gnomAD compares: Non-Finnish European, 0.000085%; no homozygotes.

Submissions (2):

Ambry Genetics
Classification: Likely benign for Hereditary cancer-predisposing syndrome. Last evaluated: 2026-01-26. Review status: criteria provided, single submitter. Criteria: Ambry Variant Classification Scheme 2023. Collection method: clinical testing. Allele origin: germline.

GeneDx
Classification: Uncertain significance. Last evaluated: 2022-01-07. Review status: criteria provided, single submitter. Criteria: GeneDx Variant Classification Process June 2021. Collection method: clinical testing. Allele origin: germline. Affected: yes.
Comment: Not observed at significant frequency in large population cohorts (gnomAD); In silico analysis supports that this missense variant does not alter protein structure/function; Has not been previously published as pathogenic or benign to our knowledge